The following is an entry in ClinVar:

NM_001271.4(CHD2):c.3595+18dup

Gene: CHD2 (chromodomain helicase DNA binding protein 2; plus strand). Cytogenetic location: 15q26.1.
Variant type: Duplication.
Coding change: c.3595+18dup on transcript NM_001271.4 (MANE Select); 18 bases into the intron after coding-DNA position 3595, one base duplicated (T; older notation c.3595+18dupT).
Molecular consequence: intron variant.
Genome position (GRCh38, 1-based): chr15:92,993,016, T duplicated; the last of 3 consecutive T bases (chr15:92,993,014-92,993,016); duplicating any one gives the same sequence. VCF-style (leftmost placement, unchanged base first): chr15-92993013-C-CT. GRCh37 (hg19) VCF-style: chr15-93536243-C-CT.
Other names: c.3595+18dupT (NM_001271.3).
Identifiers: ClinVar variation 421696 (VCV000421696.10), dbSNP rs767906397, ClinGen allele CA7748259.

ClinVar aggregate classification (germline): Benign/Likely benign. Review status: criteria provided, multiple submitters, no conflicts (2 of 4 stars). 3 submissions from 3 submitters: Benign (1); Likely benign (2). Last evaluated 2026-02-03.

Conditions:
Developmental and epileptic encephalopathy 94 (DEE94). Also called: Epileptic encephalopathy, childhood-onset; CHD2-Related Neurodevelopmental Disorders. Identifiers: Orphanet 1942, Orphanet 2382, MedGen C3809278, MONDO:0014150, OMIM 615369.

Submissions (3):

Labcorp Genetics (formerly Invitae), Labcorp
Classification: Benign for Developmental and epileptic encephalopathy 94. Last evaluated: 2026-02-03. Review status: criteria provided, single submitter. Criteria: Invitae Variant Classification Sherloc (09022015). Collection method: clinical testing. Allele origin: germline.

Blueprint Genetics
Classification: Likely benign. Last evaluated: 2024-03-22. Review status: criteria provided, single submitter. Criteria: ACMG Guidelines, 2015. Collection method: clinical testing. Allele origin: germline.

GeneDx
Classification: Likely benign. Last evaluated: 2017-03-02. Review status: criteria provided, single submitter. Criteria: GeneDx Variant Classification (06012015). Collection method: clinical testing. Allele origin: germline. Affected: yes.
Comment: This variant is considered likely benign or benign based on one or more of the following criteria: it is a conservative change, it occurs at a poorly conserved position in the protein, it is predicted to be benign by multiple in silico algorithms, and/or has population frequency not consistent with disease.